The following is an entry in ClinVar:

ClinVar aggregate classification (germline): Conflicting classifications of pathogenicity. Review status: criteria provided, conflicting classifications (1 of 4 stars). 2 submissions from 2 submitters: Uncertain significance (1); Likely benign (1). Last evaluated 2026-01-20.

Allele frequency attached by ClinVar (database versions not stated): ExAC 0.00014; 1000 Genomes Project 30x 0.00016; gnomAD exomes 0.00017; gnomAD 0.00018; 1000 Genomes Project 0.00020; TOPMed 0.00023; ESP Exome Variant Server 0.00031.
gnomAD v4.1: 453 of 1,614,140 alleles (0.028%); highest among the groups gnomAD compares: Non-Finnish European, 0.036%; no homozygotes.

Submissions (2):

Labcorp Genetics (formerly Invitae), Labcorp
Classification: Uncertain significance. Last evaluated: 2026-01-20. Review status: criteria provided, single submitter. Criteria: Invitae Variant Classification Sherloc (09022015). Collection method: clinical testing. Allele origin: germline.
Comment: This sequence change replaces histidine, which is basic and polar, with tyrosine, which is neutral and polar, at codon 126 of the RINT1 protein (p.His126Tyr). This variant is present in population databases (rs145688388, gnomAD 0.03%). This missense change has been observed in individual(s) with breast and/or ovarian cancer (PMID: 25050558, 27544226). ClinVar contains an entry for this variant (Variation ID: 410789). An algorithm developed to predict the effect of missense changes on protein structure and function (PolyPhen-2) suggests that this variant is likely to be tolerated. In summary, the available evidence is currently insufficient to determine the role of this variant in disease. Therefore, it has been classified as a Variant of Uncertain Significance.

Ambry Genetics
Classification: Likely benign. Last evaluated: 2020-07-02. Review status: criteria provided, single submitter. Criteria: Ambry Variant Classification Scheme 2023. Collection method: clinical testing. Allele origin: germline.

Literature cited by the submitters: PubMed 25050558 (cited by Labcorp Genetics (formerly Invitae), Labcorp); PubMed 27544226 (cited by Labcorp Genetics (formerly Invitae), Labcorp).

NM_021930.6(RINT1):c.376C>T (p.His126Tyr)

Gene: RINT1 (RAD50 interactor 1; plus strand). Cytogenetic location: 7q22.3.
Variant type: single nucleotide variant.
Coding change: c.376C>T on transcript NM_021930.6 (MANE Select); coding-DNA position 376, C replaced by T.
Protein change: p.His126Tyr; replaces histidine 126 with tyrosine.
Molecular consequence: missense variant. On other transcripts: 5 prime UTR variant (3), non-coding transcript variant (1).
Genome position (GRCh38, 1-based): chr7:105,542,510, C>T. VCF-style: chr7-105542510-C-T. GRCh37 (hg19) VCF-style: chr7-105182957-C-T.
Other names: c.142C>T, p.His48Tyr (NM_001346599.2); c.-644C>T (NM_001346600.2); c.-547C>T (NM_001346601.2); c.-167C>T (NM_001346603.2); short protein forms H126Y, H48Y.
Identifiers: ClinVar variation 410789 (VCV000410789.12), dbSNP rs145688388, ClinGen allele CA4426411.